The following is an entry in ClinVar:

ClinVar aggregate classification (germline): Uncertain significance (1 of 4 stars; one submission).

Allele frequency attached by ClinVar (database versions not stated): gnomAD exomes below 0.00001; TOPMed below 0.00001.
gnomAD v4.1: 2 of 1,613,366 alleles (0.00012%); highest among the groups gnomAD compares: Admixed American, 0.0017%; no homozygotes.

Submission:

GeneDx
Classification: Uncertain significance. Last evaluated: 2022-12-08. Review status: criteria provided, single submitter. Criteria: GeneDx Variant Classification Process June 2021. Collection method: clinical testing. Allele origin: germline. Affected: yes.
Comment: Not observed at significant frequency in large population cohorts (gnomAD); In silico analysis supports that this missense variant has a deleterious effect on protein structure/function; Has not been previously published as pathogenic or benign to our knowledge

NM_001277062.2(MFF):c.595C>T (p.Arg199Cys)

Gene: MFF (mitochondrial fission factor; plus strand). Cytogenetic location: 2q36.3.
Variant type: single nucleotide variant.
Coding change: c.595C>T on transcript NM_001277062.2 (MANE Select); coding-DNA position 595, C replaced by T.
Protein change: p.Arg199Cys; replaces arginine 199 with cysteine.
Molecular consequence: missense variant. On other transcripts: intron variant (4).
Genome position (GRCh38, 1-based): chr2:227,347,380, C>T. VCF-style: chr2-227347380-C-T. GRCh37 (hg19) VCF-style: chr2-228212096-C-T.
Other names: c.748C>T, p.Arg250Cys (NM_001277061.2, NM_020194.5); c.445C>T, p.Arg149Cys (NM_001277067.1); c.478C>T, p.Arg160Cys (NM_001277068.1); c.515+4561C>T (NM_001277063.2); c.441-5134C>T (NM_001277064.2); c.440+7000C>T (NM_001277065.2, NM_001277066.2); short protein forms R149C, R160C, R199C, R250C.
Identifiers: ClinVar variation 2504829 (VCV002504829.1), dbSNP rs1179323728, ClinGen allele CA350852533.